The following is an entry in ClinVar:

NM_144997.7(FLCN):c.-45A>G

Gene: FLCN (folliculin; minus strand). Cytogenetic location: 17p11.2.
Variant type: single nucleotide variant.
Coding change: c.-45A>G on transcript NM_144997.7 (MANE Select); 45 bases upstream of the start codon, A replaced by G.
Molecular consequence: 5 prime UTR variant.
Genome position (GRCh38, 1-based): chr17:17,231,814, T>C on the plus strand (A>G on the coding strand, the complement: FLCN is on the minus strand). VCF-style: chr17-17231814-T-C. GRCh37 (hg19) VCF-style: chr17-17135128-T-C.
Other names: c.-45A>G (LRG_325t1, NM_001353229.2, NM_144606.7); c.-328A>G (NM_001353230.2); c.-244A>G (NM_001353231.2).
Identifiers: ClinVar variation 322073 (VCV000322073.6), dbSNP rs571154058, ClinGen allele CA10644975.

ClinVar aggregate classification (germline): Conflicting classifications of pathogenicity. Review status: criteria provided, conflicting classifications (1 of 4 stars). 4 submissions from 3 submitters: Uncertain significance (2); Likely benign (2). Last evaluated 2025-09-10.

Conditions:
Birt-Hogg-Dube syndrome 1 (BHD1). Also called: FIBROFOLLICULOMAS WITH TRICHODISCOMAS AND ACROCHORDONS. Identifiers: Orphanet 122, MedGen CN375946, MONDO:0800445, OMIM 135150.
Familial spontaneous pneumothorax (PSP). Identifiers: Orphanet 2903, MedGen C1868193, MONDO:0008259, OMIM 173600.
Birt-Hogg-Dube syndrome. Also called: Birt Hogg Dubé syndrome. Identifiers: Orphanet 122, MedGen C0346010, MONDO:0800444.

Allele frequency attached by ClinVar (database versions not stated): 1000 Genomes Project 30x 0.00016; 1000 Genomes Project 0.00020; gnomAD 0.00087 and 0.00088; TOPMed 0.00088.

Submissions (4):

Genomic Medicine Center of Excellence, King Faisal Specialist Hospital and Research Centre
Classification: Likely benign for Birt-Hogg-Dube syndrome 1. Last evaluated: 2025-09-10. Review status: criteria provided, single submitter. Criteria: ACMG Guidelines, 2015. Collection method: clinical testing. Allele origin: germline.

Illumina Laboratory Services, Illumina
Classification: Uncertain significance for Familial spontaneous pneumothorax. Last evaluated: 2018-01-13. Review status: criteria provided, single submitter. Criteria: ICSL Variant Classification Criteria 13 December 2019. Collection method: clinical testing. Allele origin: germline.

Illumina Laboratory Services, Illumina
Classification: Uncertain significance for Birt-Hogg-Dube syndrome 1. Last evaluated: 2018-01-13. Review status: criteria provided, single submitter. Criteria: ICSL Variant Classification Criteria 13 December 2019. Collection method: clinical testing. Allele origin: germline.

GeneDx
Classification: Likely benign. Last evaluated: 2017-07-10. Review status: criteria provided, single submitter. Criteria: GeneDx Variant Classification (06012015). Collection method: clinical testing. Allele origin: germline. Affected: yes.
Comment: This variant is considered likely benign or benign based on one or more of the following criteria: it is a conservative change, it occurs at a poorly conserved position in the protein, it is predicted to be benign by multiple in silico algorithms, and/or has population frequency not consistent with disease.